The following is an entry in ClinVar:

ClinVar aggregate classification (germline): Uncertain significance (1 of 4 stars; one submission).

Conditions:
Severe combined immunodeficiency due to DNA-PKcs deficiency. Also called: Immunodeficiency 26 with or without neurologic abnormalities; IMMUNODEFICIENCY 26 WITH NEUROLOGIC ABNORMALITIES. Identifiers: Orphanet 317425, MedGen C4014833, MONDO:0014423, OMIM 615966.

Submission:

Labcorp Genetics (formerly Invitae), Labcorp
Classification: Uncertain significance for Severe combined immunodeficiency due to DNA-PKcs deficiency. Last evaluated: 2023-08-04. Review status: criteria provided, single submitter. Criteria: Invitae Variant Classification Sherloc (09022015). Collection method: clinical testing. Allele origin: germline.
Comment: This variant is not present in population databases (gnomAD no frequency). In summary, the available evidence is currently insufficient to determine the role of this variant in disease. Therefore, it has been classified as a Variant of Uncertain Significance. Experimental studies and prediction algorithms are not available or were not evaluated, and the functional significance of this variant is currently unknown. This variant has not been reported in the literature in individuals affected with PRKDC-related conditions. This sequence change replaces proline, which is neutral and non-polar, with alanine, which is neutral and non-polar, at codon 242 of the PRKDC protein (p.Pro242Ala).

NM_006904.7(PRKDC):c.724C>G (p.Pro242Ala)

Gene: PRKDC (protein kinase, DNA-activated, catalytic subunit; minus strand). Cytogenetic location: 8q11.21.
Variant type: single nucleotide variant.
Coding change: c.724C>G on transcript NM_006904.7 (MANE Select); coding-DNA position 724, C replaced by G.
Protein change: p.Pro242Ala; replaces proline 242 with alanine.
Molecular consequence: missense variant.
Genome position (GRCh38, 1-based): chr8:47,944,027, G>C on the plus strand (C>G on the coding strand, the complement: PRKDC is on the minus strand). VCF-style: chr8-47944027-G-C. GRCh37 (hg19) VCF-style: chr8-48856587-G-C.
Other names: c.724C>G, p.Pro242Ala (NM_001081640.2); short protein forms P242A.
Identifiers: ClinVar variation 2750019 (VCV002750019.2), dbSNP rs2551880826, ClinGen allele CA371136753.